The following is an entry in ClinVar:

ClinVar aggregate classification (germline): Uncertain significance (1 of 4 stars; one submission).

Allele frequency attached by ClinVar (database versions not stated): gnomAD 0.00001.

Submission:

GeneDx
Classification: Uncertain significance. Last evaluated: 2022-05-02. Review status: criteria provided, single submitter. Criteria: GeneDx Variant Classification Process June 2021. Collection method: clinical testing. Allele origin: germline. Affected: yes.
Comment: Initiation codon variant in a gene for which loss of function is a known mechanism of disease; Observed in at least one heterozygous clinically unaffected adult relative of an individual referred for genetic testing at GeneDx; Has not been previously published as pathogenic or benign to our knowledge

NM_006236.3(POU3F3):c.1A>G (p.Met1Val)

Gene: POU3F3 (POU class 3 homeobox 3; plus strand). Cytogenetic location: 2q12.1.
Variant type: single nucleotide variant.
Coding change: c.1A>G on transcript NM_006236.3 (MANE Select); coding-DNA position 1, A replaced by G.
Protein change: p.Met1Val; changes the start codon (methionine 1).
Molecular consequence: missense variant, initiator codon variant.
Genome position (GRCh38, 1-based): chr2:104,855,511, A>G. VCF-style: chr2-104855511-A-G. GRCh37 (hg19) VCF-style: chr2-105471969-A-G.
Other names: short protein forms M1V.
Identifiers: ClinVar variation 1722826 (VCV001722826.3), dbSNP rs1305921545, ClinGen allele CA348095817.
Genomic context (GRCh38, chr2:104,855,511, plus strand): 5'-GCTGCTGCTGCGGCGGCGGCGGCGGTGGTGGCGGCGGTGGGGTGGCGGGAGCGGAGCGGC[A>G]TGGCCACGGCGGCTTCTAACCCCTACCTGCCGGGGAACAGCCTGCTCGCGGCCGGCTCTA-3'
Protein context (NP_006227.1, residues 1-11): [Met1Val]ATAASNPYLP